The following is an entry in ClinVar:

NM_130384.3(ATRIP):c.1983G>T (p.Trp661Cys)

Genes: ATRIP (ATR interacting protein; plus strand), ATRIP-TREX1 (ATRIP-TREX1 readthrough; plus strand). Cytogenetic location: 3p21.31.
Variant type: single nucleotide variant.
Coding change: c.1983G>T on transcript NM_130384.3 (MANE Select); coding-DNA position 1983, G replaced by T.
Protein change: p.Trp661Cys; replaces tryptophan 661 with cysteine.
Molecular consequence: missense variant. On other transcripts: non-coding transcript variant (1), intron variant (1).
Genome position (GRCh38, 1-based): chr3:48,464,590, G>T. VCF-style: chr3-48464590-G-T. GRCh37 (hg19) VCF-style: chr3-48505989-G-T.
Other names: c.1602G>T, p.Trp534Cys (NM_001271022.2); c.1704G>T, p.Trp568Cys (NM_001271023.2); c.1975-241G>T (NM_032166.4); short protein forms W568C, W534C, W661C.
Identifiers: ClinVar variation 4842163 (VCV004842163.1).

ClinVar aggregate classification (germline): Uncertain significance (1 of 4 stars; one submission).

Submission:

Ambry Genetics
Classification: Uncertain significance. Last evaluated: 2025-12-21. Review status: criteria provided, single submitter. Criteria: Ambry Variant Classification Scheme 2023. Collection method: clinical testing. Allele origin: germline.
Comment: The p.W661C variant (also known as c.1983G>T), located in coding exon 11 of the ATRIP gene, results from a G to T substitution at nucleotide position 1983. The tryptophan at codon 661 is replaced by cysteine, an amino acid with highly dissimilar properties. This amino acid position is conserved. In addition, the in silico prediction for this alteration is inconclusive. Based on the available evidence, the clinical significance of this variant remains unclear.